The following is an entry in ClinVar:

ClinVar aggregate classification (germline): Pathogenic (1 of 4 stars; one submission).

Conditions:
Marfan syndrome (MFS). Also called: MARFAN SYNDROME, TYPE I; FBN1-Related Marfan Syndrome; Marfan syndrome type 1; Marfan's syndrome; Marfan syndrome, classic. Identifiers: Orphanet 284963, Orphanet 558, MedGen C0024796, MONDO:0007947, OMIM 154700.
Familial thoracic aortic aneurysm and aortic dissection (TAAD). Also called: Thoracic aortic aneurysms and dissections. Identifiers: Orphanet 91387, MedGen C4707243, MONDO:0019625.

Submission:

Labcorp Genetics (formerly Invitae), Labcorp
Classification: Pathogenic for Marfan syndrome; Familial thoracic aortic aneurysm and aortic dissection. Last evaluated: 2025-07-19. Review status: criteria provided, single submitter. Criteria: Invitae Variant Classification Sherloc (09022015). Collection method: clinical testing. Allele origin: germline.
Comment: This sequence change replaces cysteine, which is neutral and slightly polar, with phenylalanine, which is neutral and non-polar, at codon 557 of the FBN1 protein (p.Cys557Phe). This variant is not present in population databases (gnomAD no frequency). This missense change has been observed in individuals with clinical features of Marfan syndrome (internal data). ClinVar contains an entry for this variant (Variation ID: 457166). Invitae Evidence Modeling of protein sequence and biophysical properties (such as structural, functional, and spatial information, amino acid conservation, physicochemical variation, residue mobility, and thermodynamic stability) indicates that this missense variant is expected to disrupt FBN1 protein function with a positive predictive value of 95%. This variant affects a cysteine residue in the EGF-like, TGFBP or hybrid motif domains of FBN1. Cysteine residues are believed to be involved in intramolecular disulfide bridges and have been shown to be important for FBN1 protein structure (PMID: 16905551, 19349279). In addition, missense substitutions affecting cysteine residues within these domains are significantly overrepresented among patients with Marfan syndrome (PMID: 16571647, 17701892). This variant disrupts the p.Cys557 amino acid residue in FBN1. Other variant(s) that disrupt this residue have been observed in individuals with FBN1-related conditions (PMID: 19293843), which suggests that this may be a clinically significant amino acid residue. For these reasons, this variant has been classified as Pathogenic.

Literature cited by the submitters: PubMed 16905551; PubMed 19349279; PubMed 16571647; PubMed 17701892; PubMed 19293843.

NM_000138.5(FBN1):c.1670G>T (p.Cys557Phe)

Gene: FBN1 (fibrillin 1; minus strand). Cytogenetic location: 15q21.1.
Variant type: single nucleotide variant.
Coding change: c.1670G>T on transcript NM_000138.5 (MANE Select); coding-DNA position 1670, G replaced by T.
Protein change: p.Cys557Phe; replaces cysteine 557 with phenylalanine.
Molecular consequence: missense variant.
Genome position (GRCh38, 1-based): chr15:48,510,088, C>A on the plus strand (G>T on the coding strand, the complement: FBN1 is on the minus strand). VCF-style: chr15-48510088-C-A. GRCh37 (hg19) VCF-style: chr15-48802285-C-A.
Other names: short protein forms C557F.
Identifiers: ClinVar variation 457166 (VCV000457166.8), dbSNP rs1057521102, ClinGen allele CA392341047.